The following is an entry in ClinVar:

NM_001256071.3(RNF213):c.6979A>G (p.Asn2327Asp)

Gene: RNF213 (ring finger protein 213; plus strand). Cytogenetic location: 17q25.3.
Variant type: single nucleotide variant.
Coding change: c.6979A>G on transcript NM_001256071.3 (MANE Select); coding-DNA position 6979, A replaced by G.
Protein change: p.Asn2327Asp; replaces asparagine 2327 with aspartic acid.
Molecular consequence: missense variant.
Genome position (GRCh38, 1-based): chr17:80,345,314, A>G. VCF-style: chr17-80345314-A-G. GRCh37 (hg19) VCF-style: chr17-78319114-A-G.
Other names: short protein forms N2327D.
Identifiers: ClinVar variation 713583 (VCV000713583.10), dbSNP rs138044665, ClinGen allele CA8820649.

ClinVar aggregate classification (germline): Conflicting classifications of pathogenicity. Review status: criteria provided, conflicting classifications (1 of 4 stars). 3 submissions from 3 submitters: Uncertain significance (1); Likely benign (2). Last evaluated 2025-09-15.

Conditions:
RNF213-related disorder. Also called: RNF213-related condition.

Allele frequency attached by ClinVar (database versions not stated): ESP Exome Variant Server 0.00092; ExAC 0.00100; gnomAD 0.00106 and 0.00109; TOPMed 0.00109; gnomAD exomes 0.00111 and 0.00159; 1000 Genomes Project 30x 0.00156; 1000 Genomes Project 0.00160.

Submissions (3):

Labcorp Genetics (formerly Invitae), Labcorp
Classification: Likely benign. Last evaluated: 2025-09-15. Review status: criteria provided, single submitter. Criteria: Invitae Variant Classification Sherloc (09022015). Collection method: clinical testing. Allele origin: germline.

PreventionGenetics, part of Exact Sciences
Classification: Uncertain significance for RNF213-related condition. Last evaluated: 2022-12-12. Review status: criteria provided, single submitter. Criteria: ACMG Guidelines, 2015. Collection method: clinical testing. Allele origin: germline.
Comment: The RNF213 c.6979A>G variant is predicted to result in the amino acid substitution p.Asn2327Asp. This variant was reported in an individual with intracranial artery stenosis (Hongo et al. 2020. PubMed ID: 32686731). This variant is reported in 0.19% of alleles in individuals of Latino descent in gnomAD. Although we suspect that this variant may be benign, at this time, the clinical significance of this variant is uncertain due to the absence of conclusive functional and genetic evidence.

Breakthrough Genomics
Classification: Likely benign. Review status: criteria provided, single submitter. Criteria: ACMG Guidelines, 2015. Collection method: not provided. Allele origin: germline. Inheritance: Autosomal dominant inheritance. Affected: yes.